The following is an entry in ClinVar:

ClinVar aggregate classification (germline): Uncertain significance. Review status: criteria provided, multiple submitters, no conflicts (2 of 4 stars). 2 submissions from 2 submitters: Uncertain significance (2). Last evaluated 2023-10-03.

Allele frequency attached by ClinVar (database versions not stated): gnomAD exomes below 0.00001.
gnomAD v4.1: 1 of 1,603,492 alleles (0.000062%); highest among the groups gnomAD compares: Non-Finnish European, 0.000085%; no homozygotes.

Submissions (2):

Labcorp Genetics (formerly Invitae), Labcorp
Classification: Uncertain significance. Last evaluated: 2023-10-03. Review status: criteria provided, single submitter. Criteria: Invitae Variant Classification Sherloc (09022015). Collection method: clinical testing. Allele origin: germline.
Comment: This sequence change replaces glycine, which is neutral and non-polar, with glutamic acid, which is acidic and polar, at codon 327 of the PDE6C protein (p.Gly327Glu). This variant is not present in population databases (gnomAD no frequency). This variant has not been reported in the literature in individuals affected with PDE6C-related conditions. ClinVar contains an entry for this variant (Variation ID: 1063739). An algorithm developed to predict the effect of missense changes on protein structure and function (PolyPhen-2) suggests that this variant is likely to be disruptive. In summary, the available evidence is currently insufficient to determine the role of this variant in disease. Therefore, it has been classified as a Variant of Uncertain Significance.

Blueprint Genetics
Classification: Uncertain significance. Last evaluated: 2017-08-24. Review status: criteria provided, single submitter. Criteria: ACMG Guidelines, 2015. Collection method: clinical testing. Allele origin: germline.

NM_006204.4(PDE6C):c.980G>A (p.Gly327Glu)

Gene: PDE6C (phosphodiesterase 6C; plus strand). Cytogenetic location: 10q23.33.
Variant type: single nucleotide variant.
Coding change: c.980G>A on transcript NM_006204.4 (MANE Select); coding-DNA position 980, G replaced by A.
Protein change: p.Gly327Glu; replaces glycine 327 with glutamic acid.
Molecular consequence: missense variant.
Genome position (GRCh38, 1-based): chr10:93,626,680, G>A. VCF-style: chr10-93626680-G-A. GRCh37 (hg19) VCF-style: chr10-95386437-G-A.
Other names: short protein forms G327E.
Identifiers: ClinVar variation 1063739 (VCV001063739.8), dbSNP rs2134599230, ClinGen allele CA377631707.